The following is an entry in ClinVar:

NM_000554.6(CRX):c.253-1G>C

Gene: CRX (cone-rod homeobox; plus strand). Cytogenetic location: 19q13.33.
Variant type: single nucleotide variant.
Coding change: c.253-1G>C on transcript NM_000554.6 (MANE Select); the canonical splice acceptor site of the intron before coding-DNA position 253, G replaced by C.
Molecular consequence: splice acceptor variant.
Genome position (GRCh38, 1-based): chr19:47,839,319, G>C. VCF-style: chr19-47839319-G-C. GRCh37 (hg19) VCF-style: chr19-48342576-G-C.
Identifiers: ClinVar variation 4783879 (VCV004783879.1).

ClinVar aggregate classification (germline): Uncertain significance (1 of 4 stars; one submission).

Conditions:
Cone-rod dystrophy 2 (CORD2). Also called: CONE-ROD RETINAL DYSTROPHY; Cone-rod retinal dystrophy 2. Identifiers: Orphanet 1872, MedGen C3489532, MONDO:0007362, OMIM 120970.
Leber congenital amaurosis 7 (LCA7). Identifiers: Orphanet 65, MedGen C3151192, MONDO:0013449, OMIM 613829.

gnomAD v4.1: 1 of 1,613,050 alleles (0.000062%); no homozygotes.

Submission:

Labcorp Genetics (formerly Invitae), Labcorp
Classification: Uncertain significance for Cone-rod dystrophy 2; Leber congenital amaurosis 7. Last evaluated: 2025-02-13. Review status: criteria provided, single submitter. Criteria: Invitae Variant Classification Sherloc (09022015). Collection method: clinical testing. Allele origin: germline.
Comment: This sequence change affects an acceptor splice site in intron 3 of the CRX gene. While this variant is not anticipated to result in nonsense mediated decay, it likely alters RNA splicing and results in a disrupted protein product. This variant is present in population databases (no rsID available, gnomAD 0.003%). This variant has not been reported in the literature in individuals affected with CRX-related conditions. Variants that disrupt the consensus splice site are a relatively common cause of aberrant splicing (PMID: 17576681, 9536098). Algorithms developed to predict the effect of sequence changes on RNA splicing suggest that this variant may disrupt the consensus splice site. In summary, the available evidence is currently insufficient to determine the role of this variant in disease. Therefore, it has been classified as a Variant of Uncertain Significance.

Literature cited by the submitters: PubMed 17576681; PubMed 9536098.